The following is an entry in ClinVar:

NM_001414.4(EIF2B1):c.*731T>C

Gene: EIF2B1 (eukaryotic translation initiation factor 2B subunit alpha; minus strand). Cytogenetic location: 12q24.31.
Variant type: single nucleotide variant.
Coding change: c.*731T>C on transcript NM_001414.4 (MANE Select); 731 bases downstream of the stop codon, T replaced by C.
Molecular consequence: 3 prime UTR variant.
Genome position (GRCh38, 1-based): chr12:123,621,025, A>G on the plus strand (T>C on the coding strand, the complement: EIF2B1 is on the minus strand). VCF-style: chr12-123621025-A-G. GRCh37 (hg19) VCF-style: chr12-124105572-A-G.
Identifiers: ClinVar variation 307514 (VCV000307514.6), dbSNP rs10846532, ClinGen allele CA10641227.
Genomic context (GRCh38, chr12:123,621,025, plus strand): 5'-TGGACAGTGTTTTCCCCTAGATGGCCTGGTCAGCTTGCAGTATTGATGCAACACCACATC[A>G]GCGTCTTTCATAGAGTTTATTTGAAAAGATGCTGAATTTATTCCCAAGTATAATTTTAAA-3'

ClinVar aggregate classification (germline): Benign. Review status: criteria provided, multiple submitters, no conflicts (2 of 4 stars). 2 submissions from 2 submitters: Benign (2). Last evaluated 2018-01-13.

Conditions:
Vanishing white matter disease. Also called: CACH syndrome; Childhood ataxia with diffuse central nervous system hypomyelination; Leukoencephalopathy with vanishing white matter; CACH/VWM syndrome; Cree leukoencehalopathy. Identifiers: Orphanet 135, Orphanet 99853, MedGen C1858991, MONDO:0800448.

Allele frequency attached by ClinVar (database versions not stated): gnomAD exomes 0.03619; TOPMed 0.07463; gnomAD 0.07470 and 0.07511; 1000 Genomes Project 0.10144; 1000 Genomes Project 30x 0.10447.
gnomAD v4.1: 11,468 of 154,048 alleles (7.4%); highest among the groups gnomAD compares: African/African-American, 14%; 608 homozygotes.

Submissions (2):

Illumina Laboratory Services, Illumina
Classification: Benign for Leukoencephalopathy with vanishing white matter 1. Last evaluated: 2018-01-13. Review status: criteria provided, single submitter. Criteria: ICSL Variant Classification Criteria 13 December 2019. Collection method: clinical testing. Allele origin: germline.
Comment: This variant was observed in the ICSL laboratory as part of a predisposition screen in an ostensibly healthy population. It had not been previously curated by ICSL or reported in the Human Gene Mutation Database (HGMD: prior to June 1st, 2018), and was therefore a candidate for classification through an automated scoring system. Utilizing variant allele frequency, disease prevalence and penetrance estimates, and inheritance mode, an automated score was calculated to assess if this variant is too frequent to cause the disease. Based on the score and internal cut-off values, a variant classified as benign is not then subjected to further curation. The score for this variant resulted in a classification of benign for this disease.

Breakthrough Genomics
Classification: Benign. Review status: criteria provided, single submitter. Criteria: ACMG Guidelines, 2015. Collection method: not provided. Allele origin: germline. Inheritance: Autosomal recessive inheritance. Affected: yes.